The following is an entry in ClinVar:

NC_000002.12:g.(?_47790927)_(47801155_?)del

Gene: MSH6 (mutS homolog 6; plus strand). Cytogenetic location: 2p16.3.
Variant type: Deletion.
Identifiers: ClinVar variation 417526 (VCV000417526.1).

ClinVar aggregate classification (germline): Pathogenic (1 of 4 stars; one submission).

Conditions:
Lynch syndrome. Identifiers: Orphanet 144, MedGen C4552100, MONDO:0005835. Disease mechanism: loss of function.

Submission:

Labcorp Genetics (formerly Invitae), Labcorp
Classification: Pathogenic for Hereditary nonpolyposis colorectal neoplasms. Last evaluated: 2016-08-30. Review status: criteria provided, single submitter. Criteria: Invitae Variant Classification Sherloc (09022015). Collection method: clinical testing. Allele origin: germline.
Comment: This variant is a gross deletion of the genomic region encompassing exons 2-4 of the MSH6 gene. This creates a premature translational stop signal and is expected to result in an absent or disrupted protein product. While this particular variant has not been reported in the literature, exon-level deletions and truncating variants in MSH6 are known to be pathogenic (PMID: 24362816, 18269114). For these reasons, this variant has been classified as Pathogenic.